The following is an entry in ClinVar:

NM_000090.4(COL3A1):c.3074A>C (p.Asp1025Ala)

Gene: COL3A1 (collagen type III alpha 1 chain; plus strand). Cytogenetic location: 2q32.2.
Variant type: single nucleotide variant.
Coding change: c.3074A>C on transcript NM_000090.4 (MANE Select); coding-DNA position 3074, A replaced by C.
Protein change: p.Asp1025Ala; replaces aspartic acid 1025 with alanine.
Molecular consequence: missense variant.
Genome position (GRCh38, 1-based): chr2:189,006,240, A>C. VCF-style: chr2-189006240-A-C. GRCh37 (hg19) VCF-style: chr2-189870966-A-C.
Other names: short protein forms D1025A.
Identifiers: ClinVar variation 1717143 (VCV001717143.6), dbSNP rs1688583072, ClinGen allele CA349844954.

ClinVar aggregate classification (germline): Uncertain significance. Review status: criteria provided, multiple submitters, no conflicts (2 of 4 stars). 2 submissions from 2 submitters: Uncertain significance (2). Last evaluated 2022-11-21.

Conditions:
Ehlers-Danlos syndrome, type 4 (EDSVASC). Also called: Ehlers-Danlos syndrome vascular type; Ehlers Danlos syndrome, ecchymotic type; Ehlers Danlos syndrome, arterial type; Ehlers Danlos syndrome, Sack-Barabas type; Ehlers-Danlos Syndrome Type IV. Identifiers: Orphanet 286, MedGen C0268338, MONDO:0017314, OMIM 130050.

Allele frequency attached by ClinVar (database versions not stated): gnomAD exomes below 0.00001; TOPMed below 0.00001.
gnomAD v4.1: 1 of 1,614,230 alleles (0.000062%); highest among the groups gnomAD compares: Non-Finnish European, 0.000085%; no homozygotes.

Submissions (2):

GeneDx
Classification: Uncertain significance. Last evaluated: 2022-11-21. Review status: criteria provided, single submitter. Criteria: GeneDx Variant Classification Process June 2021. Collection method: clinical testing. Allele origin: germline. Affected: yes.
Comment: Not observed at significant frequency in large population cohorts (gnomAD); In silico analysis supports that this missense variant has a deleterious effect on protein structure/function; Has not been previously published as pathogenic or benign to our knowledge; Occurs in the triple helical domain at the Y position in the canonical Gly-X-Y repeat; although this variant may have an effect on normal protein folding and function, missense substitution at the Y position is not a common mechanism of disease (HGMD)

Labcorp Genetics (formerly Invitae), Labcorp
Classification: Uncertain significance for Ehlers-Danlos syndrome, type 4. Last evaluated: 2022-08-20. Review status: criteria provided, single submitter. Criteria: Invitae Variant Classification Sherloc (09022015). Collection method: clinical testing. Allele origin: germline.
Comment: This variant is not present in population databases (gnomAD no frequency). In summary, the available evidence is currently insufficient to determine the role of this variant in disease. Therefore, it has been classified as a Variant of Uncertain Significance. Advanced modeling of protein sequence and biophysical properties (such as structural, functional, and spatial information, amino acid conservation, physicochemical variation, residue mobility, and thermodynamic stability) performed at Invitae indicates that this missense variant is not expected to disrupt COL3A1 protein function. This variant has not been reported in the literature in individuals affected with COL3A1-related conditions. This sequence change replaces aspartic acid, which is acidic and polar, with alanine, which is neutral and non-polar, at codon 1025 of the COL3A1 protein (p.Asp1025Ala).